The following is an entry in ClinVar:

NM_000492.4(CFTR):c.1584+12T>C

Genes: CFTR-AS1 (CFTR antisense RNA 1; minus strand), CFTR (CF transmembrane conductance regulator; plus strand). Cytogenetic location: 7q31.2.
Variant type: single nucleotide variant.
Coding change: c.1584+12T>C on transcript NM_000492.4 (MANE Select); 12 bases into the intron after coding-DNA position 1584, T replaced by C.
Molecular consequence: intron variant.
Genome position (GRCh38, 1-based): chr7:117,559,667, T>C. VCF-style: chr7-117559667-T-C. GRCh37 (hg19) VCF-style: chr7-117199721-T-C.
Identifiers: ClinVar variation 35827 (VCV000035827.50), dbSNP rs193922502, ClinGen allele CA325693.

ClinVar aggregate classification (germline): Conflicting classifications of pathogenicity. Review status: criteria provided, conflicting classifications (1 of 4 stars). 9 submissions from 9 submitters: Uncertain significance (2); Benign (1); Likely benign (6). Last evaluated 2026-06-01.

Conditions:
CFTR-related disorder (CFTR-RD). Also called: CFTR-related disorders; CFTR-related condition. Identifiers: MedGen C5924204, MONDO:7770004.
Cystic fibrosis (CF). Also called: MUCOVISCIDOSIS. Identifiers: Orphanet 586, MedGen C0010674, MONDO:0009061, OMIM 219700. Disease mechanism: loss of function.

Allele frequency attached by ClinVar (database versions not stated): gnomAD exomes 0.00022 and 0.00036; ExAC 0.00023; ESP Exome Variant Server 0.00023; gnomAD 0.00025 and 0.00028; TOPMed 0.00025.
gnomAD v4.1: 567 of 1,604,880 alleles (0.035%); highest among the groups gnomAD compares: Non-Finnish European, 0.043%; no homozygotes.

Submissions (9):

CeGaT Center for Human Genetics Tuebingen
Classification: Likely benign. Last evaluated: 2026-06-01. Review status: criteria provided, single submitter. Criteria: CeGaT Center For Human Genetics Tuebingen Variant Classification Criteria Version 2. Collection method: clinical testing. Allele origin: germline. Affected: yes. Observed: 5 variant alleles.
Comment: CFTR: BP4, BP7

Labcorp Genetics (formerly Invitae), Labcorp
Classification: Likely benign for Cystic fibrosis. Last evaluated: 2026-01-26. Review status: criteria provided, single submitter. Criteria: Invitae Variant Classification Sherloc (09022015). Collection method: clinical testing. Allele origin: germline.

ARUP Laboratories, Molecular Genetics and Genomics, ARUP Laboratories
Classification: Likely benign. Last evaluated: 2025-06-10. Review status: criteria provided, single submitter. Criteria: ARUP Molecular Germline Variant Investigation Process 2024. Collection method: clinical testing. Allele origin: germline.

Blueprint Genetics
Classification: Likely benign. Last evaluated: 2024-11-27. Review status: criteria provided, single submitter. Criteria: ACMG Guidelines, 2015. Collection method: clinical testing. Allele origin: germline.

Women's Health and Genetics/Laboratory Corporation of America, LabCorp
Classification: Likely benign. Last evaluated: 2023-12-18. Review status: criteria provided, single submitter. Criteria: LabCorp Variant Classification Summary - May 2015. Collection method: clinical testing. Allele origin: germline.
Comment: Variant summary: CFTR c.1584+12T>C alters a non-conserved nucleotide located at a position not widely known to affect splicing. Consensus agreement among computation tools predict no significant impact on normal splicing. However, these predictions have yet to be confirmed by functional studies. The variant allele was found at a frequency of 0.00022 in 252294 control chromosomes (gnomAD and publication data). This frequency is not significantly higher than expected for a pathogenic variant in CFTR causing Chronic Pancreatitis Risk (0.00022 vs 0.0063), allowing no conclusion about variant significance. c.1584+12T>C has been reported in the literature in individuals affected with CF and CBAVD (e.g., Ivaschenko_1993, Zielenski_1995, Raraigh_2022), however without strong evidence for causality and it was also reported in controls (e.g., Rosendahl_2012). These reports do not provide unequivocal conclusions about association of the variant with Chronic Pancreatitis Risk. Additionally, the variant has been reported in two individuals affected with CF in the CFTR-France database who also harbored two additional unspecified CF-causing mutations, providing evidence supporting a benign role. To our knowledge, no experimental evidence demonstrating an impact on protein function has been reported. The following publications have been ascertained in the context of this evaluation (PMID: 23775370, 8445619, 9239681, 7681034, 34782259, 22427236, 36409994, 1284534, 7573058). Four clinical diagnostic laboratories have submitted clinical-significance assessments for this variant to ClinVar after 2014 and classified the variant as VUS (n=2), likely benign (n=1), or benign (n=1). Based on the evidence outlined above, the variant was classified as likely benign.

Quest Diagnostics Nichols Institute San Juan Capistrano
Classification: Uncertain significance. Last evaluated: 2019-07-23. Review status: criteria provided, single submitter. Criteria: Quest Diagnostics criteria. Collection method: clinical testing. Allele origin: germline.

Illumina Laboratory Services, Illumina
Classification: Uncertain significance for CFTR-Related Disorders. Last evaluated: 2017-06-12. Review status: criteria provided, single submitter. Criteria: ICSL Variant Classification Criteria 13 December 2019. Collection method: clinical testing. Allele origin: germline.
Comment: This variant was observed as part of a predisposition screen in an ostensibly healthy population. A literature search was performed for the gene, cDNA change, and amino acid change (where applicable). Publications were found based on this search. However, the evidence from the literature, in combination with allele frequency data from public databases where available, was not sufficient to rule this variant in or out of causing disease. Therefore, this variant is classified as a variant of unknown significance.

Ambry Genetics
Classification: Benign for Cystic fibrosis. Last evaluated: 2015-11-06. Review status: criteria provided, single submitter. Criteria: Ambry Variant Classification Scheme 2023. Collection method: clinical testing. Allele origin: germline.

PreventionGenetics, part of Exact Sciences
Classification: Likely benign. Review status: criteria provided, single submitter. Criteria: ACMG Guidelines, 2015. Collection method: clinical testing. Allele origin: germline.

Literature cited by the submitters: PubMed 7573058 (cited by Women's Health and Genetics/Laboratory Corporation of America, LabCorp and Illumina Laboratory Services, Illumina); PubMed 9239681 (cited by Women's Health and Genetics/Laboratory Corporation of America, LabCorp and Illumina Laboratory Services, Illumina); PubMed 1284534 (cited by Women's Health and Genetics/Laboratory Corporation of America, LabCorp and Quest Diagnostics Nichols Institute San Juan Capistrano); PubMed 8445619 (cited by Women's Health and Genetics/Laboratory Corporation of America, LabCorp and Illumina Laboratory Services, Illumina); PubMed 7681034 (cited by Women's Health and Genetics/Laboratory Corporation of America, LabCorp); PubMed 22427236 (cited by Women's Health and Genetics/Laboratory Corporation of America, LabCorp); PubMed 23775370 (cited by Women's Health and Genetics/Laboratory Corporation of America, LabCorp); PubMed 34782259 (cited by Women's Health and Genetics/Laboratory Corporation of America, LabCorp); PubMed 36409994 (cited by Women's Health and Genetics/Laboratory Corporation of America, LabCorp).